The following is an entry in ClinVar:

NM_003322.6(TULP1):c.340G>A (p.Ala114Thr)

Gene: TULP1 (TUB like protein 1; minus strand). Cytogenetic location: 6p21.31.
Variant type: single nucleotide variant.
Coding change: c.340G>A on transcript NM_003322.6 (MANE Select); coding-DNA position 340, G replaced by A.
Protein change: p.Ala114Thr; replaces alanine 114 with threonine.
Molecular consequence: missense variant. On other transcripts: intron variant (1).
Genome position (GRCh38, 1-based): chr6:35,511,657, C>T on the plus strand (G>A on the coding strand, the complement: TULP1 is on the minus strand). VCF-style: chr6-35511657-C-T. GRCh37 (hg19) VCF-style: chr6-35479434-C-T.
Other names: c.190+523G>A (NM_001289395.2); short protein forms A114T.
Identifiers: ClinVar variation 1428072 (VCV001428072.6), dbSNP rs1273033018, ClinGen allele CA363783596.
Genomic context (GRCh38, chr6:35,511,657, plus strand): 5'-TCTCCTTAGCTCCACCGCCCCCTCACCCGCGTCCCTGGGGCCCTCTCTCACCGTCCTCCG[C>T]GTCTGGGGCACGGGCTACCAGAAAGGTTTCCCGGGGGTCGCGCTTCTTGGCCTCGGGGTC-3'
Protein context (NP_003313.3, residues 104-124): ETFLVARAPD[Ala114Thr]EDEEEEEEED

ClinVar aggregate classification (germline): Uncertain significance (1 of 4 stars; one submission).

Allele frequency attached by ClinVar (database versions not stated): gnomAD exomes 0.00001; gnomAD 0.00002; TOPMed 0.00002.
gnomAD v4.1: 14 of 1,594,612 alleles (0.00088%); highest among the groups gnomAD compares: Non-Finnish European, 0.001%; no homozygotes.

Submission:

Labcorp Genetics (formerly Invitae), Labcorp
Classification: Uncertain significance. Last evaluated: 2025-05-29. Review status: criteria provided, single submitter. Criteria: Invitae Variant Classification Sherloc (09022015). Collection method: clinical testing. Allele origin: germline.
Comment: This sequence change replaces alanine, which is neutral and non-polar, with threonine, which is neutral and polar, at codon 114 of the TULP1 protein (p.Ala114Thr). This variant is not present in population databases (gnomAD no frequency). This variant has not been reported in the literature in individuals affected with TULP1-related conditions. ClinVar contains an entry for this variant (Variation ID: 1428072). Invitae Evidence Modeling of protein sequence and biophysical properties (such as structural, functional, and spatial information, amino acid conservation, physicochemical variation, residue mobility, and thermodynamic stability) has been performed for this missense variant. However, the output from this modeling did not meet the statistical confidence thresholds required to predict the impact of this variant on TULP1 protein function. In summary, the available evidence is currently insufficient to determine the role of this variant in disease. Therefore, it has been classified as a Variant of Uncertain Significance.